The following is an entry in ClinVar:

ClinVar aggregate classification (germline): Uncertain significance (1 of 4 stars; one submission).

Allele frequency attached by ClinVar (database versions not stated): 1000 Genomes Project 30x 0.00016; 1000 Genomes Project 0.00020.
gnomAD v4.1: 8 of 1,415,624 alleles (0.00057%); highest among the groups gnomAD compares: East Asian, 0.013%; no homozygotes.

Submission:

Labcorp Genetics (formerly Invitae), Labcorp
Classification: Uncertain significance. Last evaluated: 2021-12-16. Review status: criteria provided, single submitter. Criteria: Invitae Variant Classification Sherloc (09022015). Collection method: clinical testing. Allele origin: germline.
Comment: In summary, the available evidence is currently insufficient to determine the role of this variant in disease. Therefore, it has been classified as a Variant of Uncertain Significance. Algorithms developed to predict the effect of missense changes on protein structure and function (SIFT, PolyPhen-2, Align-GVGD) all suggest that this variant is likely to be tolerated. This variant has not been reported in the literature in individuals affected with TRAF3IP1-related conditions. The frequency data for this variant in the population databases is considered unreliable, as metrics indicate poor data quality at this position in the gnomAD database. This sequence change replaces arginine, which is basic and polar, with glutamine, which is neutral and polar, at codon 8 of the TRAF3IP1 protein (p.Arg8Gln).

NM_015650.4(TRAF3IP1):c.23G>A (p.Arg8Gln)

Gene: TRAF3IP1 (TRAF3 interacting protein 1; plus strand). Cytogenetic location: 2q37.3.
Variant type: single nucleotide variant.
Coding change: c.23G>A on transcript NM_015650.4 (MANE Select); coding-DNA position 23, G replaced by A.
Protein change: p.Arg8Gln; replaces arginine 8 with glutamine.
Molecular consequence: missense variant.
Genome position (GRCh38, 1-based): chr2:238,320,685, G>A. VCF-style: chr2-238320685-G-A. GRCh37 (hg19) VCF-style: chr2-239229326-G-A.
Other names: c.23G>A, p.Arg8Gln (NM_001139490.1); short protein forms R8Q.
Identifiers: ClinVar variation 1351316 (VCV001351316.6), dbSNP rs537545949, ClinGen allele CA67974170.